The following is an entry in ClinVar:

ClinVar aggregate classification (germline): Likely benign (0 of 4 stars; one submission).

Conditions:
PLEKHA7-related disorder. Also called: PLEKHA7-related condition.

gnomAD v4.1: 2 of 1,613,970 alleles (0.00012%); highest among the groups gnomAD compares: Admixed American, 0.0017%; no homozygotes.

Submission:

PreventionGenetics, part of Exact Sciences
Classification: Likely benign for PLEKHA7-related condition. Last evaluated: 2019-08-20. Review status: no assertion criteria provided. Collection method: clinical testing. Allele origin: germline.
Comment: This variant is classified as likely benign based on ACMG/AMP sequence variant interpretation guidelines (Richards et al. 2015 PMID: 25741868, with internal and published modifications).

NM_001329630.2(PLEKHA7):c.1797G>T (p.Pro599=)

Gene: PLEKHA7 (pleckstrin homology domain containing A7; minus strand). Cytogenetic location: 11p15.2.
Variant type: single nucleotide variant.
Coding change: c.1797G>T on transcript NM_001329630.2 (MANE Select); coding-DNA position 1797, G replaced by T.
Protein change: p.Pro599=; no amino-acid change (proline 599 retained).
Molecular consequence: synonymous variant.
Genome position (GRCh38, 1-based): chr11:16,816,869, C>A on the plus strand (G>T on the coding strand, the complement: PLEKHA7 is on the minus strand). VCF-style: chr11-16816869-C-A. GRCh37 (hg19) VCF-style: chr11-16838416-C-A.
Other names: c.1797G>T, p.Pro599= (NM_001329631.2, NM_001410960.1, NM_175058.5).
Identifiers: ClinVar variation 3053128 (VCV003053128.2), dbSNP rs146554999, ClinGen allele CA473279116.